The following is an entry in ClinVar:

ClinVar aggregate classification (germline): Uncertain significance (1 of 4 stars; one submission).

Conditions:
Hypertrophic cardiomyopathy. Also called: HYPERTROPHIC MYOCARDIOPATHY. Identifiers: Orphanet 217569, MedGen C0007194, MeSH D002312, MONDO:0005045, HP:0001639.

Submission:

Labcorp Genetics (formerly Invitae), Labcorp
Classification: Uncertain significance for Hypertrophic cardiomyopathy. Last evaluated: 2022-07-03. Review status: criteria provided, single submitter. Criteria: Invitae Variant Classification Sherloc (09022015). Collection method: clinical testing. Allele origin: germline.
Comment: In summary, the available evidence is currently insufficient to determine the role of this variant in disease. Therefore, it has been classified as a Variant of Uncertain Significance. This variant disrupts the p.Tyr525 amino acid residue in MYBPC3. Other variant(s) that disrupt this residue have been observed in individuals with MYBPC3-related conditions (PMID: 33782553), which suggests that this may be a clinically significant amino acid residue. Algorithms developed to predict the effect of missense changes on protein structure and function (SIFT, PolyPhen-2, Align-GVGD) all suggest that this variant is likely to be disruptive. This variant has not been reported in the literature in individuals affected with MYBPC3-related conditions. This variant is not present in population databases (gnomAD no frequency). This sequence change replaces tyrosine, which is neutral and polar, with cysteine, which is neutral and slightly polar, at codon 525 of the MYBPC3 protein (p.Tyr525Cys).

Literature cited by the submitters: PubMed 33782553.

NM_000256.3(MYBPC3):c.1574A>G (p.Tyr525Cys)

Gene: MYBPC3 (myosin binding protein C3; minus strand). Cytogenetic location: 11p11.2.
Variant type: single nucleotide variant.
Coding change: c.1574A>G on transcript NM_000256.3 (MANE Select); coding-DNA position 1574, A replaced by G.
Protein change: p.Tyr525Cys; replaces tyrosine 525 with cysteine.
Molecular consequence: missense variant.
Genome position (GRCh38, 1-based): chr11:47,342,628, T>C on the plus strand (A>G on the coding strand, the complement: MYBPC3 is on the minus strand). VCF-style: chr11-47342628-T-C. GRCh37 (hg19) VCF-style: chr11-47364179-T-C.
Other names: short protein forms Y525C.
Identifiers: ClinVar variation 2013622 (VCV002013622.4), dbSNP rs2495762622, ClinGen allele CA380325073.